The following is an entry in ClinVar:

NM_001130987.2(DYSF):c.2913delinsTT (p.Phe972_Glu973insTer)

Gene: DYSF (dysferlin; plus strand). Cytogenetic location: 2p13.2.
Variant type: Indel.
Coding change: c.2913delinsTT on transcript NM_001130987.2 (MANE Select); coding-DNA position 2913, G replaced by TT.
Protein change: p.Phe972_Glu973insTer.
Molecular consequence: frameshift variant.
Genome position (GRCh38, 1-based): chr2:71,569,868, G replaced by TT. VCF-style: chr2-71569868-G-TT. GRCh37 (hg19) VCF-style: chr2-71796998-G-TT.
Other names: c.2862delinsTT, p.Phe955_Glu956insTer (NM_001130455.2, NM_001130983.2); c.2817delinsTT, p.Phe940_Glu941insTer (NM_001130976.2, NM_001130977.2); c.2859delinsTT, p.Phe954_Glu955insTer (NM_001130978.2, NM_003494.4); c.2952delinsTT, p.Phe985_Glu986insTer (NM_001130979.2); c.2910delinsTT, p.Phe971_Glu972insTer (NM_001130980.2, NM_001130981.2); c.2955delinsTT, p.Phe986_Glu987insTer (NM_001130982.2); c.2820delinsTT, p.Phe941_Glu942insTer (NM_001130984.2, NM_001130986.2); c.2913delinsTT, p.Phe972_Glu973insTer (NM_001130985.2).
Identifiers: ClinVar variation 5004662 (VCV005004662.1).
Genomic context (GRCh38, chr2:71,569,868, plus strand): 5'-CCTCCTCCACAGTCTGCTCCATGACATGGACGCCGGTCACCTGAGCTTCGTGGAAGAGGT[G>TT]TTTGAGAACCAGACCCGGCTTCCCGGAGGCCAGTGGATCTACATGAGTGACAACTACACC-3'

ClinVar aggregate classification (germline): Pathogenic (1 of 4 stars; one submission).

Conditions:
Autosomal recessive limb-girdle muscular dystrophy. Identifiers: Orphanet 102015, MedGen C2931907, MONDO:0015152.

Submission:

Myriad Genetics, Inc.
Classification: Pathogenic for Autosomal recessive limb-girdle muscular dystrophy. Last evaluated: 2026-05-12. Review status: criteria provided, single submitter. Criteria: Myriad Autosomal Dominant, Autosomal Recessive and X-Linked Classification Criteria (2023). Collection method: clinical testing. Allele origin: unknown.
Comment: NM_003494.3(DYSF):c.2859delGinsTT(E955*) is a nonsense variant classified as pathogenic in the context of dysferlinopathy. E955* has not been observed in cases with relevant disease. Relevant functional assessments of this variant are not available in the literature. E955* has not been observed in referenced population frequency databases. In summary, NM_003494.3(DYSF):c.2859delGinsTT(E955*) is a nonsense variant in a gene where loss of function is a known mechanism of disease and is predicted to disrupt protein function. Please note: this variant was assessed in the context of healthy population screening.